The following is an entry in ClinVar:

NM_004304.5(ALK):c.3655T>C (p.Ser1219Pro)

Gene: ALK (ALK receptor tyrosine kinase; minus strand). Cytogenetic location: 2p23.2.
Variant type: single nucleotide variant.
Coding change: c.3655T>C on transcript NM_004304.5 (MANE Select); coding-DNA position 3655, T replaced by C.
Protein change: p.Ser1219Pro; replaces serine 1219 with proline.
Molecular consequence: missense variant.
Genome position (GRCh38, 1-based): chr2:29,214,072, A>G on the plus strand (T>C on the coding strand, the complement: ALK is on the minus strand). VCF-style: chr2-29214072-A-G. GRCh37 (hg19) VCF-style: chr2-29436938-A-G.
Other names: c.451T>C, p.Ser151Pro (NM_001353765.2); short protein forms S1219P, S151P.
Identifiers: ClinVar variation 5035355 (VCV005035355.1).

ClinVar aggregate classification (germline): Uncertain significance (1 of 4 stars; one submission).

Conditions:
Hereditary cancer-predisposing syndrome. Also called: Hereditary Cancer Syndrome; Neoplastic Syndromes, Hereditary; Tumor predisposition; Hereditary neoplastic syndrome. Identifiers: Orphanet 140162, MedGen C0027672, MeSH D009386, MONDO:0015356.

Submission:

Ambry Genetics
Classification: Uncertain significance for Hereditary cancer-predisposing syndrome. Last evaluated: 2026-07-25. Review status: criteria provided, single submitter. Criteria: Ambry Variant Classification Scheme 2023. Collection method: clinical testing. Allele origin: germline.
Comment: The p.S1219P variant (also known as c.3655T>C), located in coding exon 24 of the ALK gene, results from a T to C substitution at nucleotide position 3655. The serine at codon 1219 is replaced by proline, an amino acid with similar properties. This amino acid position is conserved. In addition, the in silico prediction for this alteration is inconclusive. Based on the available evidence, the clinical significance of this variant remains unclear.